The following is an entry in ClinVar:

NM_001289808.2(CRYAB):c.514del (p.Ala172fs)

Gene: CRYAB (crystallin alpha B; minus strand). Cytogenetic location: 11q23.1.
Variant type: Deletion.
Coding change: c.514del on transcript NM_001289808.2 (MANE Select); coding-DNA position 514, one base deleted (G; older notation c.514delG).
Protein change: p.Ala172fs; shifts the reading frame from alanine 172.
Molecular consequence: frameshift variant.
Genome position (GRCh38, 1-based): chr11:111,908,778, C deleted on the plus strand (G on the coding strand, the reverse complement: CRYAB is on the minus strand). VCF-style (leftmost placement, unchanged base first): chr11-111908777-GC-G. GRCh37 (hg19) VCF-style: chr11-111779501-GC-G.
Other names: c.514del, p.Ala172fs (NM_001289807.1, NM_001368245.1, NM_001885.3); c.313del, p.Ala105fs (NM_001330379.1, NM_001368246.1); short protein forms A105fs, A172fs.
Identifiers: ClinVar variation 804222 (VCV000804222.5), dbSNP rs1965352990, ClinGen allele CA1139662341.
Genomic context (GRCh38, chr11:111,908,777, plus strand): 5'-GTGGGGAAACTTTCTTGTTTTAAAAAATGCAATTCAAGAAAGGGCATCTATTTCTTGGGG[GC>G]TGCGGTGACAGCAGGCTTCTCTTCACGGGTGATGGGAATGGTGCGCTCAGGGCCAGAGAC-3'

ClinVar aggregate classification (germline): Pathogenic (1 of 4 stars; one submission).

Conditions:
Myofibrillar myopathy 2. Also called: MYOPATHY, DESMIN-RELATED, ASSOCIATED WITH MUTATION IN THE CRYAB GENE; MYOPATHY, MYOFIBRILLAR, ALPHA-B CRYSTALLIN-RELATED; MYOPATHY, MYOFIBRILLAR, 2A, ADULT-ONSET; MYOPATHY, MYOFIBRILLAR, WITH OR WITHOUT CATARACT AND/OR CARDIOMYOPATHY. Identifiers: Orphanet 280553, Orphanet 399058, MedGen C1837317, MONDO:0012130.

Submission:

Genetics, INEBIR
Classification: Pathogenic. Last evaluated: 2019-12-17. Review status: criteria provided, single submitter. Criteria: ACMG Guidelines, 2015. Collection method: clinical testing. Allele origin: de novo. Inheritance: Autosomal dominant inheritance. Affected: yes. Observed: 1 heterozygote.

Literature cited by the submitters: PubMed 32420686.